The following is an entry in ClinVar:

ClinVar aggregate classification (germline): Uncertain significance (1 of 4 stars; one submission).

Conditions:
Duchenne muscular dystrophy (DMD). Also called: MUSCULAR DYSTROPHY, PSEUDOHYPERTROPHIC PROGRESSIVE, DUCHENNE TYPE; Duchenne Muscular Dystrophy (DMD). Identifiers: Orphanet 98896, MedGen C0013264, MONDO:0010679, OMIM 310200.

Submission:

Labcorp Genetics (formerly Invitae), Labcorp
Classification: Uncertain significance for Duchenne muscular dystrophy. Last evaluated: 2022-03-18. Review status: criteria provided, single submitter. Criteria: Invitae Variant Classification Sherloc (09022015). Collection method: clinical testing. Allele origin: germline.
Comment: This sequence change replaces valine, which is neutral and non-polar, with methionine, which is neutral and non-polar, at codon 2639 of the DMD protein (p.Val2639Met). This variant is not present in population databases (gnomAD no frequency). This variant has not been reported in the literature in individuals affected with DMD-related conditions. Algorithms developed to predict the effect of missense changes on protein structure and function output the following: SIFT: "Tolerated"; PolyPhen-2: "Possibly Damaging"; Align-GVGD: "Class C0". The methionine amino acid residue is found in multiple mammalian species, which suggests that this missense change does not adversely affect protein function. In summary, the available evidence is currently insufficient to determine the role of this variant in disease. Therefore, it has been classified as a Variant of Uncertain Significance.

NM_004006.3(DMD):c.7915G>A (p.Val2639Met)

Gene: DMD (dystrophin; minus strand). Cytogenetic location: Xp21.1.
Variant type: single nucleotide variant.
Coding change: c.7915G>A on transcript NM_004006.3 (MANE Select); coding-DNA position 7915, G replaced by A.
Protein change: p.Val2639Met; replaces valine 2639 with methionine.
Molecular consequence: missense variant.
Genome position (GRCh38, 1-based): chrX:31,658,102, C>T on the plus strand (G>A on the coding strand, the complement: DMD is on the minus strand). VCF-style: chrX-31658102-C-T. GRCh37 (hg19) VCF-style: chrX-31676219-C-T.
Other names: c.7891G>A, p.Val2631Met (NM_000109.4); c.7903G>A, p.Val2635Met (NM_004009.3); c.7546G>A, p.Val2516Met (NM_004010.3); c.3892G>A, p.Val1298Met (NM_004011.4); c.3883G>A, p.Val1295Met (NM_004012.4); c.535G>A, p.Val179Met (NM_004013.3, NM_004020.4, NM_004021.3 and 2 more transcripts); short protein forms V1298M, V179M, V2516M, V1295M, V2631M, V2635M, V2639M.
Identifiers: ClinVar variation 1392940 (VCV001392940.6), dbSNP rs2148615898, ClinGen allele CA412655960.